The following is an entry in ClinVar:

NM_006618.5(KDM5B):c.2859A>C (p.Ala953=)

Gene: KDM5B (lysine demethylase 5B; minus strand). Cytogenetic location: 1q32.1.
Variant type: single nucleotide variant.
Coding change: c.2859A>C on transcript NM_006618.5 (MANE Select); coding-DNA position 2859, A replaced by C.
Protein change: p.Ala953=; no amino-acid change (alanine 953 retained).
Molecular consequence: synonymous variant.
Genome position (GRCh38, 1-based): chr1:202,741,453, T>G on the plus strand (A>C on the coding strand, the complement: KDM5B is on the minus strand). VCF-style: chr1-202741453-T-G. GRCh37 (hg19) VCF-style: chr1-202710581-T-G.
Other names: c.2967A>C, p.Ala989= (NM_001314042.2); c.2724A>C, p.Ala908= (NM_001347591.2); c.2844A>C, p.Ala948= (NM_001399817.1).
Identifiers: ClinVar variation 5039621 (VCV005039621.1).
Genomic context (GRCh38, chr1:202,741,453, plus strand): 5'-GTCGTCCCAGTGCTCTGACACTGTGAGCAGTTCCTGCAGCCGGGCCATAGCTTTCTCCAC[T>G]GCTGAATACGGGGCCAGCCCTACCCCTAGGTCTATGAGACGTCTCATATCATCTAAAGTA-3'
Protein context (NP_006609.3, residues 943-963): DLGVGLAPYS[Ala953=]VEKAMARLQE

ClinVar aggregate classification (germline): Likely benign (1 of 4 stars; one submission).

Submission:

CeGaT Center for Human Genetics Tuebingen
Classification: Likely benign. Last evaluated: 2026-07-01. Review status: criteria provided, single submitter. Criteria: CeGaT Center For Human Genetics Tuebingen Variant Classification Criteria Version 2. Collection method: clinical testing. Allele origin: germline. Affected: yes. Observed: 1 variant allele.
Comment: KDM5B: PM2:Supporting, BP4, BP7